The following is an entry in ClinVar:

ClinVar aggregate classification (germline): Conflicting classifications of pathogenicity. Review status: criteria provided, conflicting classifications (1 of 4 stars). 2 submissions from 2 submitters: Uncertain significance (1); Likely benign (1). Last evaluated 2024-09-17.

Conditions:
Short-rib thoracic dysplasia 14 with polydactyly (SRTD14). Identifiers: Orphanet 397715, MedGen C4225286, MONDO:0014688, OMIM 616546.
Joubert syndrome 23 (JBTS23). Identifiers: Orphanet 475, MedGen C4084822, MONDO:0014664, OMIM 616490.

Submissions (2):

Blueprint Genetics
Classification: Likely benign. Last evaluated: 2024-09-17. Review status: criteria provided, single submitter. Criteria: ACMG Guidelines, 2015. Collection method: clinical testing. Allele origin: germline.

Labcorp Genetics (formerly Invitae), Labcorp
Classification: Uncertain significance for Joubert syndrome 23; Short-rib thoracic dysplasia 14 with polydactyly. Last evaluated: 2024-07-03. Review status: criteria provided, single submitter. Criteria: Invitae Variant Classification Sherloc (09022015). Collection method: clinical testing. Allele origin: germline.
Comment: This sequence change replaces methionine, which is neutral and non-polar, with valine, which is neutral and non-polar, at codon 1242 of the KIAA0586 protein (p.Met1242Val). This variant is present in population databases (rs774523983, gnomAD 0.003%). This variant has not been reported in the literature in individuals affected with KIAA0586-related conditions. Advanced modeling of protein sequence and biophysical properties (such as structural, functional, and spatial information, amino acid conservation, physicochemical variation, residue mobility, and thermodynamic stability) performed at Invitae indicates that this missense variant is not expected to disrupt KIAA0586 protein function with a negative predictive value of 80%. In summary, the available evidence is currently insufficient to determine the role of this variant in disease. Therefore, it has been classified as a Variant of Uncertain Significance.

NM_001329943.3(KIAA0586):c.3565A>G (p.Met1189Val)

Gene: KIAA0586 (KIAA0586; plus strand). Cytogenetic location: 14q23.1.
Variant type: single nucleotide variant.
Coding change: c.3565A>G on transcript NM_001329943.3 (MANE Select); coding-DNA position 3565, A replaced by G.
Protein change: p.Met1189Val; replaces methionine 1189 with valine.
Molecular consequence: missense variant.
Genome position (GRCh38, 1-based): chr14:58,488,658, A>G. VCF-style: chr14-58488658-A-G. GRCh37 (hg19) VCF-style: chr14-58955376-A-G.
Other names: c.3724A>G, p.Met1242Val (NM_001244189.2); c.3520A>G, p.Met1174Val (NM_001244190.2); c.3310A>G, p.Met1104Val (NM_001244191.2, NM_001329945.2, NM_001364700.1 and 1 more transcripts); c.3433A>G, p.Met1145Val (NM_001244192.2); c.3145A>G, p.Met1049Val (NM_001244193.2); c.3565A>G, p.Met1189Val (NM_001329944.2, NM_001329946.2, NM_001329947.2); c.3337A>G, p.Met1113Val (NM_014749.5); short protein forms M1049V, M1104V, M1113V, M1145V, M1174V, M1189V, M1242V.
Identifiers: ClinVar variation 3755127 (VCV003755127.3).
Genomic context (GRCh38, chr14:58,488,658, plus strand): 5'-CAAATATGTCTTTATTTTCTTAGTGTAATGTCTGTGGCTAAGGATGAAGAACCAGAGAGT[A>G]TGGATTTCCCTGCTCAGCCTCCACCTCCAGAGCCAGTTCCCTTTATGCCATTTCCTGCCG-3'
Protein context (NP_001316872.1, residues 1179-1199): SVAKDEEPES[Met1189Val]DFPAQPPPPE